The following is an entry in ClinVar:

ClinVar aggregate classification (germline): Uncertain significance (1 of 4 stars; one submission).

Conditions:
Mitochondrial DNA depletion syndrome 13. Also called: FBXL4-Related Encephalomyopathic Mitochondrial DNA Depletion Syndrome; Mitochondrial DNA depletion syndrome 13 (encephalomyopathic type). Identifiers: Orphanet 369897, MedGen C3809592, MONDO:0014198, OMIM 615471.

gnomAD v4.1: 18 of 152,204 alleles (0.012%); highest among the groups gnomAD compares: East Asian, 0.27%; no homozygotes.

Submission:

Juno Genomics, Hangzhou Juno Genomics, Inc
Classification: Uncertain significance for Mitochondrial DNA depletion syndrome 13. Review status: criteria provided, single submitter. Criteria: ACMG Guidelines, 2015. Collection method: clinical testing. Allele origin: germline.
Comment: Multiple lines of computational evidence support a deleterious effect on the gene or gene product.

NM_001278716.2(FBXL4):c.1103+1329C>G

Gene: FBXL4 (F-box and leucine rich repeat protein 4; minus strand). Cytogenetic location: 6q16.2.
Variant type: single nucleotide variant.
Coding change: c.1103+1329C>G on transcript NM_001278716.2 (MANE Select); 1329 bases into the intron after coding-DNA position 1103, C replaced by G.
Molecular consequence: intron variant.
Genome position (GRCh38, 1-based): chr6:98,904,097, G>C on the plus strand (C>G on the coding strand, the complement: FBXL4 is on the minus strand). VCF-style: chr6-98904097-G-C. GRCh37 (hg19) VCF-style: chr6-99351973-G-C.
Other names: c.1103+1329C>G (NM_012160.5).
Identifiers: ClinVar variation 5007107 (VCV005007107.2).